The following is an entry in ClinVar:

NM_016180.5(SLC45A2):c.869dup (p.Asn290fs)

Gene: SLC45A2 (solute carrier family 45 member 2; minus strand). Cytogenetic location: 5p13.2.
Variant type: Duplication.
Coding change: c.869dup on transcript NM_016180.5 (MANE Select); coding-DNA position 869, one base duplicated (A; older notation c.869dupA).
Protein change: p.Asn290fs; shifts the reading frame from asparagine 290.
Molecular consequence: frameshift variant. On other transcripts: intron variant (1).
Genome position (GRCh38, 1-based): chr5:33,963,710, T duplicated on the plus strand (A on the coding strand, the reverse complement: SLC45A2 is on the minus strand); the first of 6 consecutive T bases (chr5:33,963,710-33,963,715); duplicating any one gives the same sequence. VCF-style (leftmost placement, unchanged base first): chr5-33963709-G-GT. GRCh37 (hg19) VCF-style: chr5-33963814-G-GT.
Other names: c.869dup, p.Asn290fs (NM_001012509.4); c.563-9206dup (NM_001297417.4); short protein forms N290fs.
Identifiers: ClinVar variation 2907359 (VCV002907359.3), dbSNP rs1195350614, ClinGen allele CA559293834.

ClinVar aggregate classification (germline): Pathogenic (1 of 4 stars; one submission).

Submission:

Labcorp Genetics (formerly Invitae), Labcorp
Classification: Pathogenic. Last evaluated: 2023-12-02. Review status: criteria provided, single submitter. Criteria: Invitae Variant Classification Sherloc (09022015). Collection method: clinical testing. Allele origin: germline.
Comment: This sequence change creates a premature translational stop signal (p.Asn290Lysfs*6) in the SLC45A2 gene. It is expected to result in an absent or disrupted protein product. Loss-of-function variants in SLC45A2 are known to be pathogenic (PMID: 21458243, 26573111). This variant is present in population databases (no rsID available, gnomAD 0.006%). This premature translational stop signal has been observed in individual(s) with oculocutaneous albinism (PMID: 31077556). For these reasons, this variant has been classified as Pathogenic.

Literature cited by the submitters: PubMed 21458243; PubMed 26573111; PubMed 31077556.